The following is an entry in ClinVar:

ClinVar aggregate classification (germline): Pathogenic (1 of 4 stars; one submission).

Conditions:
Retinoblastoma (RB1). Also called: RETINOBLASTOMA, SOMATIC. Identifiers: Orphanet 790, MedGen C0035335, MeSH D012175, MONDO:0008380, OMIM 180200, HP:0009919. Disease mechanism: loss of function. Inheritance: Both sporadic and heritable forms are tested..

Submission:

Labcorp Genetics (formerly Invitae), Labcorp
Classification: Pathogenic for Retinoblastoma. Last evaluated: 2023-06-28. Review status: criteria provided, single submitter. Criteria: Invitae Variant Classification Sherloc (09022015). Collection method: clinical testing. Allele origin: germline.
Comment: For these reasons, this variant has been classified as Pathogenic. This premature translational stop signal has been observed in individual(s) with retinoblastoma (PMID: 15605413, 34190019). This variant is not present in population databases (gnomAD no frequency). This sequence change creates a premature translational stop signal (p.Ser230*) in the RB1 gene. It is expected to result in an absent or disrupted protein product. Loss-of-function variants in RB1 are known to be pathogenic (PMID: 17096365).

Literature cited by the submitters: PubMed 15605413; PubMed 34190019; PubMed 17096365.

NM_000321.3(RB1):c.689C>G (p.Ser230Ter)

Gene: RB1 (RB transcriptional corepressor 1; plus strand). Cytogenetic location: 13q14.2.
Variant type: single nucleotide variant.
Coding change: c.689C>G on transcript NM_000321.3 (MANE Select); coding-DNA position 689, C replaced by G.
Protein change: p.Ser230Ter; replaces serine 230 with a stop codon.
Molecular consequence: nonsense.
Genome position (GRCh38, 1-based): chr13:48,360,098, C>G. VCF-style: chr13-48360098-C-G. GRCh37 (hg19) VCF-style: chr13-48934234-C-G.
Other names: c.689C>G, p.Ser230Ter (NM_001407165.1, NM_001407166.1); short protein forms S230*.
Identifiers: ClinVar variation 2732180 (VCV002732180.3), dbSNP rs1459523811, ClinGen allele CA388158511.